The following is an entry in ClinVar:

ClinVar aggregate classification (germline): Pathogenic (1 of 4 stars; one submission).

Submission:

Labcorp Genetics (formerly Invitae), Labcorp
Classification: Pathogenic. Last evaluated: 2023-09-27. Review status: criteria provided, single submitter. Criteria: Invitae Variant Classification Sherloc (09022015). Collection method: clinical testing. Allele origin: germline.
Comment: This variant has not been reported in the literature in individuals affected with FH-related conditions. For these reasons, this variant has been classified as Pathogenic. This variant is not present in population databases (gnomAD no frequency). This sequence change creates a premature translational stop signal (p.Asn340Metfs*17) in the FH gene. It is expected to result in an absent or disrupted protein product. Loss-of-function variants in FH are known to be pathogenic (PMID: 11865300, 21398687).

Literature cited by the submitters: PubMed 11865300; PubMed 21398687.

NM_000143.4(FH):c.1019del (p.Asn340fs)

Gene: FH (fumarate hydratase; minus strand). Cytogenetic location: 1q43.
Variant type: Deletion.
Coding change: c.1019del on transcript NM_000143.4 (MANE Select); coding-DNA position 1019, one base deleted (A; older notation c.1019delA).
Protein change: p.Asn340fs; shifts the reading frame from asparagine 340.
Molecular consequence: frameshift variant.
Genome position (GRCh38, 1-based): chr1:241,504,131, T deleted on the plus strand (A on the coding strand, the reverse complement: FH is on the minus strand); the first of 3 consecutive T bases (chr1:241,504,131-241,504,133); deleting any one gives the same sequence. VCF-style (leftmost placement, unchanged base first): chr1-241504130-AT-A. GRCh37 (hg19) VCF-style: chr1-241667430-AT-A.
Other names: short protein forms N340fs.
Identifiers: ClinVar variation 2763971 (VCV002763971.3), dbSNP rs2527319424, ClinGen allele CA2697547768.